The following is an entry in ClinVar:

NM_002667.5(PLN):c.19C>T (p.Leu7Phe)

Genes: PLN (phospholamban; plus strand), CEP85L (centrosomal protein 85L; minus strand). Cytogenetic location: 6q22.31.
Variant type: single nucleotide variant.
Coding change: c.19C>T on transcript NM_002667.5 (MANE Select); coding-DNA position 19, C replaced by T.
Protein change: p.Leu7Phe; replaces leucine 7 with phenylalanine.
Molecular consequence: missense variant. On other transcripts: intron variant (3).
Genome position (GRCh38, 1-based): chr6:118,558,940, C>T. VCF-style: chr6-118558940-C-T. GRCh37 (hg19) VCF-style: chr6-118880103-C-T.
Other names: c.1029+6589G>A (NM_001178035.2); c.1020+6589G>A (NM_001042475.3, NM_206921.3); short protein forms L7F.
Identifiers: ClinVar variation 4738817 (VCV004738817.1).

ClinVar aggregate classification (germline): Uncertain significance (1 of 4 stars; one submission).

Conditions:
Dilated cardiomyopathy 1P (CMD1P). Identifiers: Orphanet 154, MedGen C1835928, MONDO:0012362, OMIM 609909.

Submission:

Labcorp Genetics (formerly Invitae), Labcorp
Classification: Uncertain significance for Dilated cardiomyopathy 1P. Last evaluated: 2025-09-29. Review status: criteria provided, single submitter. Criteria: Invitae Variant Classification Sherloc (09022015). Collection method: clinical testing. Allele origin: germline.
Comment: This sequence change replaces leucine, which is neutral and non-polar, with phenylalanine, which is neutral and non-polar, at codon 7 of the PLN protein (p.Leu7Phe). This variant is not present in population databases (gnomAD no frequency). This variant has not been reported in the literature in individuals affected with PLN-related conditions. An algorithm developed to predict the effect of missense changes on protein structure and function (PolyPhen-2) suggests that this variant is likely to be disruptive. In summary, the available evidence is currently insufficient to determine the role of this variant in disease. Therefore, it has been classified as a Variant of Uncertain Significance.